The following is an entry in ClinVar:

ClinVar aggregate classification (germline): Pathogenic/Likely pathogenic. Review status: criteria provided, multiple submitters, no conflicts (2 of 4 stars). 2 submissions from 2 submitters: Pathogenic (1); Likely pathogenic (1). Last evaluated 2023-11-07.

Conditions:
POP1-related disorder. Also called: POP1-related condition.

Allele frequency attached by ClinVar (database versions not stated): gnomAD exomes below 0.00001; ExAC 0.00001; gnomAD 0.00001; TOPMed 0.00001.
gnomAD v4.1: 4 of 1,613,970 alleles (0.00025%); highest among the groups gnomAD compares: Admixed American, 0.0033%; no homozygotes.

Submissions (2):

Labcorp Genetics (formerly Invitae), Labcorp
Classification: Pathogenic. Last evaluated: 2023-11-07. Review status: criteria provided, single submitter. Criteria: Invitae Variant Classification Sherloc (09022015). Collection method: clinical testing. Allele origin: germline.
Comment: This sequence change creates a premature translational stop signal (p.Gln778*) in the POP1 gene. It is expected to result in an absent or disrupted protein product. Loss-of-function variants in POP1 are known to be pathogenic (PMID: 21455487). This variant is present in population databases (rs771454414, gnomAD 0.003%). This variant has not been reported in the literature in individuals affected with POP1-related conditions. Algorithms developed to predict the effect of sequence changes on RNA splicing suggest that this variant may disrupt the consensus splice site. For these reasons, this variant has been classified as Pathogenic.

PreventionGenetics, part of Exact Sciences
Classification: Likely pathogenic for POP1-related condition. Last evaluated: 2023-03-29. Review status: criteria provided, single submitter. Criteria: ACMG Guidelines, 2015. Collection method: clinical testing. Allele origin: germline.
Comment: The POP1 c.2332C>T variant is predicted to result in premature protein termination (p.Gln778*). To our knowledge, this variant has not been reported in the literature. This variant is reported in 0.0029% of alleles in individuals of Latino descent in gnomAD. Nonsense variants in POP1 are expected to be pathogenic. This variant is interpreted as likely pathogenic.

Literature cited by the submitters: PubMed 21455487 (cited by Labcorp Genetics (formerly Invitae), Labcorp).

NM_001145860.2(POP1):c.2332C>T (p.Gln778Ter)

Gene: POP1 (POP1 ribonuclease P/MRP subunit; plus strand). Cytogenetic location: 8q22.2.
Variant type: single nucleotide variant.
Coding change: c.2332C>T on transcript NM_001145860.2 (MANE Select); coding-DNA position 2332, C replaced by T.
Protein change: p.Gln778Ter; replaces glutamine 778 with a stop codon.
Molecular consequence: nonsense.
Genome position (GRCh38, 1-based): chr8:98,156,324, C>T. VCF-style: chr8-98156324-C-T. GRCh37 (hg19) VCF-style: chr8-99168552-C-T.
Other names: c.2332C>T, p.Gln778Ter (NM_001145861.2, NM_015029.3); short protein forms Q778*.
Identifiers: ClinVar variation 2634959 (VCV002634959.4), dbSNP rs771454414, ClinGen allele CA4820804.
Genomic context (GRCh38, chr8:98,156,324, plus strand): 5'-GAAGTGGGCACATCCATAGAGCACCCCAGGGAGGCAGAGGAGGTAATGGATGCAGGGTGT[C>T]AAGAATCGGCAGGGCCTGAGAGGATCACAGACCAGGAGGCCAGTGAAAACCATGTTGCTG-3'